The following is an entry in ClinVar:

ClinVar aggregate classification (germline): Uncertain significance (1 of 4 stars; one submission).

Conditions:
Inborn genetic diseases. Identifiers: MedGen C0950123, MeSH D030342.

Submission:

Ambry Genetics
Classification: Uncertain significance for Inborn genetic diseases. Last evaluated: 2025-04-21. Review status: criteria provided, single submitter. Criteria: Ambry Variant Classification Scheme 2023. Collection method: clinical testing. Allele origin: germline.
Comment: The p.L868V variant (also known as c.2602C>G), located in coding exon 13 of the ASXL1 gene, results from a C to G substitution at nucleotide position 2602. The leucine at codon 868 is replaced by valine, an amino acid with highly similar properties. This amino acid position is conserved. In addition, this alteration is predicted to be tolerated by in silico analysis. Based on the available evidence, the clinical significance of this variant remains unclear.

NM_015338.6(ASXL1):c.2602C>G (p.Leu868Val)

Gene: ASXL1 (ASXL transcriptional regulator 1; plus strand). Cytogenetic location: 20q11.21.
Variant type: single nucleotide variant.
Coding change: c.2602C>G on transcript NM_015338.6 (MANE Select); coding-DNA position 2602, C replaced by G.
Protein change: p.Leu868Val; replaces leucine 868 with valine.
Molecular consequence: missense variant.
Genome position (GRCh38, 1-based): chr20:32,435,314, C>G. VCF-style: chr20-32435314-C-G. GRCh37 (hg19) VCF-style: chr20-31023117-C-G.
Other names: c.2419C>G, p.Leu807Val (NM_001363734.1); short protein forms L807V, L868V.
Identifiers: ClinVar variation 3956426 (VCV003956426.1).
Genomic context (GRCh38, chr20:32,435,314, plus strand): 5'-ACACCTGAATCCTCACCGACTGATTGCCTGCAGAACAGAGCATTTGATGACGAATTAGGG[C>G]TTGGTGGCTCATGCCCTCCTATGAGGGAAAGTGATACTAGACAAGAAAACTTGAAAACCA-3'
Protein context (NP_056153.2, residues 858-878): QNRAFDDELG[Leu868Val]GGSCPPMRES